The following is an entry in ClinVar:

ClinVar aggregate classification (germline): Uncertain significance. Review status: criteria provided, multiple submitters, no conflicts (2 of 4 stars). 2 submissions from 2 submitters: Uncertain significance (2). Last evaluated 2026-02-14.

Conditions:
Deficiency of UDPglucose-hexose-1-phosphate uridylyltransferase. Also called: Transferase Deficiency Galactosemia; GALACTOSEMIA I; GALACTOSE-1-PHOSPHATE URIDYLYLTRANSFERASE DEFICIENCY; GALT deficiency; Galactosemia, classic. Identifiers: Orphanet 352, Orphanet 79239, MedGen C0268151, MONDO:0009258, OMIM 230400.

gnomAD v4.1: 1 of 1,614,192 alleles (0.000062%); no homozygotes.

Submissions (2):

Women's Health and Genetics/Laboratory Corporation of America, LabCorp
Classification: Uncertain significance. Last evaluated: 2026-02-14. Review status: criteria provided, single submitter. Criteria: LabCorp Variant Classification Summary - May 2015. Collection method: clinical testing. Allele origin: germline.

Labcorp Genetics (formerly Invitae), Labcorp
Classification: Uncertain significance for Deficiency of UDPglucose-hexose-1-phosphate uridylyltransferase. Last evaluated: 2022-02-02. Review status: criteria provided, single submitter. Criteria: Invitae Variant Classification Sherloc (09022015). Collection method: clinical testing. Allele origin: germline.
Comment: This sequence change replaces aspartic acid, which is acidic and polar, with asparagine, which is neutral and polar, at codon 348 of the GALT protein (p.Asp348Asn). This variant is not present in population databases (gnomAD no frequency). This missense change has been observed in individual(s) with a positive newborn screening result for GALT-related disease (Invitae). Advanced modeling of protein sequence and biophysical properties (such as structural, functional, and spatial information, amino acid conservation, physicochemical variation, residue mobility, and thermodynamic stability) performed at Invitae indicates that this missense variant is expected to disrupt GALT protein function. In summary, the available evidence is currently insufficient to determine the role of this variant in disease. Therefore, it has been classified as a Variant of Uncertain Significance.

NM_000155.4(GALT):c.1042G>A (p.Asp348Asn)

Gene: GALT (galactose-1-phosphate uridylyltransferase; plus strand). Cytogenetic location: 9p13.3.
Variant type: single nucleotide variant.
Coding change: c.1042G>A on transcript NM_000155.4 (MANE Select); coding-DNA position 1042, G replaced by A.
Protein change: p.Asp348Asn; replaces aspartic acid 348 with asparagine.
Molecular consequence: missense variant.
Genome position (GRCh38, 1-based): chr9:34,649,547, G>A. VCF-style: chr9-34649547-G-A. GRCh37 (hg19) VCF-style: chr9-34649544-G-A.
Other names: c.715G>A, p.Asp239Asn (NM_001258332.2); short protein forms D239N, D348N.
Identifiers: ClinVar variation 2162959 (VCV002162959.2), dbSNP rs2492876351, ClinGen allele CA373285270.